The following is an entry in ClinVar:

NM_000545.8(HNF1A):c.1780A>C (p.Ser594Arg)

Genes: C12orf43 (chromosome 12 open reading frame 43; minus strand), HNF1A (HNF1 homeobox A; plus strand). Cytogenetic location: 12q24.31.
Variant type: single nucleotide variant.
Coding change: c.1780A>C on transcript NM_000545.8 (MANE Select); coding-DNA position 1780, A replaced by C.
Protein change: p.Ser594Arg; replaces serine 594 with arginine.
Molecular consequence: missense variant. On other transcripts: 3 prime UTR variant (3).
Genome position (GRCh38, 1-based): chr12:121,001,076, A>C. VCF-style: chr12-121001076-A-C. GRCh37 (hg19) VCF-style: chr12-121438879-A-C.
Other names: NM_022895.3:c.*3077T>G; NM_000545.8(HNF1A):c.1780A>C; p.Ser594Arg; c.*3077T>G (NM_001286191.2, NM_001286196.2, NM_022895.3); c.1801A>C, p.Ser601Arg (NM_001306179.2); c.1588A>C, p.Ser530Arg (NM_001406915.1); short protein forms S594R, S601R, S530R.
Identifiers: ClinVar variation 1687074 (VCV001687074.4), dbSNP rs751112023, ClinGen allele CA244513452.
Genomic context (GRCh38, chr12:121,001,076, plus strand): 5'-TGGGTGTGGGTGCCTGGTGGGTGGCTAGCAGCCTTGTTTGCCTCTGCAGTGTCCTCCAGC[A>C]GCCTGGTGCTGTACCAGAGCTCAGACTCCAGCAATGGCCAGAGCCACCTGCTGCCATCCA-3'
Protein context (NP_000536.6, residues 584-604): LSASPTVSSS[Ser594Arg]LVLYQSSDSS

ClinVar aggregate classification (germline): Uncertain significance (3 of 4 stars; one submission).

Conditions:
Monogenic diabetes. Identifiers: Orphanet 183625, MedGen C3888631, MONDO:0015967.

gnomAD v4.1: 2 of 1,613,562 alleles (0.00012%); highest among the groups gnomAD compares: Non-Finnish European, 0.00017%; no homozygotes.

Submission:

ClinGen Monogenic Diabetes Variant Curation Expert Panel
Classification: Uncertain significance for Monogenic diabetes. Last evaluated: 2025-09-02. Review status: reviewed by expert panel. Criteria: ClinGen Diabetes ACMG Specifications HNF1A V3.0.0. Collection method: curation. Allele origin: germline. Inheritance: Autosomal dominant inheritance.
Comment: The c.1780A>C variant in the HNF1 homeobox A gene, HNF1A, causes an amino acid change of serine to arginine at codon 594 (p.(Ser594Arg)) of NM_000545.8. This variant has a gnomAD v4.1.0 Grpmax filtering allele frequency of 2.8e-7, which is below the ClinGen MDEP threshold of 0.000003 (PM2_Supporting). Another missense variant at the same residue, c. 1781G>T p.Ser594Ile, has been classified as pathogenic by the ClinGen MDEP, but this variant has a larger Grantham distance than p.Ser594Arg (PM5_Supporting). In summary, c.1780A>C meets the criteria to be classified as a variant of uncertain significance for monogenic diabetes. ACMG/AMP criteria applied, as specified by the ClinGen MDEP (specification version 3.0.0, approved (6/30/2025): PM2_Supporting, PM5_Supporting.